The following is an entry in ClinVar:

ClinVar aggregate classification (germline): Uncertain significance (1 of 4 stars; one submission).

Conditions:
Peroxisome biogenesis disorder 11A (Zellweger). Also called: Peroxisome biogenesis disorder 11A. Identifiers: Orphanet 912, MedGen C3554000, MONDO:0013949, OMIM 614883.

Submission:

Labcorp Genetics (formerly Invitae), Labcorp
Classification: Uncertain significance for Peroxisome biogenesis disorder 11A (Zellweger). Last evaluated: 2022-07-11. Review status: criteria provided, single submitter. Criteria: Invitae Variant Classification Sherloc (09022015). Collection method: clinical testing. Allele origin: germline.
Comment: In summary, the available evidence is currently insufficient to determine the role of this variant in disease. Therefore, it has been classified as a Variant of Uncertain Significance. Algorithms developed to predict the effect of sequence changes on RNA splicing suggest that this variant may create or strengthen a splice site. ClinVar contains an entry for this variant (Variation ID: 1367910). This variant has not been reported in the literature in individuals affected with PEX13-related conditions. This variant is not present in population databases (gnomAD no frequency). This sequence change affects codon 241 of the PEX13 mRNA. It is a 'silent' change, meaning that it does not change the encoded amino acid sequence of the PEX13 protein.

NM_002618.4(PEX13):c.723T>A (p.Ala241=)

Gene: PEX13 (peroxisomal biogenesis factor 13; plus strand). Cytogenetic location: 2p15.
Variant type: single nucleotide variant.
Coding change: c.723T>A on transcript NM_002618.4 (MANE Select); coding-DNA position 723, T replaced by A.
Protein change: p.Ala241=; no amino-acid change (alanine 241 retained).
Molecular consequence: synonymous variant.
Genome position (GRCh38, 1-based): chr2:61,032,049, T>A. VCF-style: chr2-61032049-T-A. GRCh37 (hg19) VCF-style: chr2-61259184-T-A.
Identifiers: ClinVar variation 1367910 (VCV001367910.8), dbSNP rs1205501080, ClinGen allele CA426411848.
Genomic context (GRCh38, chr2:61,032,049, plus strand): 5'-TGGTGCTGAGGACCGAGCAGCTACCTCAGCAAAATCTTGGCCAATATTCTTGTTCTTTGC[T>A]GTTATCCTTGGTGGTCCTTACCTCATTTGGAAACTATTGTCTACTCACAGTGATGAAGTA-3'
Protein context (NP_002609.1, residues 231-251): AKSWPIFLFF[Ala241=]VILGGPYLIW